The following is an entry in ClinVar:

NM_014339.7(IL17RA):c.1952A>C (p.Glu651Ala)

Gene: IL17RA (interleukin 17 receptor A; plus strand). Cytogenetic location: 22q11.1.
Variant type: single nucleotide variant.
Coding change: c.1952A>C on transcript NM_014339.7 (MANE Select); coding-DNA position 1952, A replaced by C.
Protein change: p.Glu651Ala; replaces glutamic acid 651 with alanine.
Molecular consequence: missense variant.
Genome position (GRCh38, 1-based): chr22:17,109,171, A>C. VCF-style: chr22-17109171-A-C. GRCh37 (hg19) VCF-style: chr22-17590061-A-C.
Other names: c.1850A>C, p.Glu617Ala (NM_001289905.2); short protein forms E617A, E651A.
Identifiers: ClinVar variation 959649 (VCV000959649.6), dbSNP rs2061428420, ClinGen allele CA410219679.

ClinVar aggregate classification (germline): Uncertain significance (1 of 4 stars; one submission).

Conditions:
Immunodeficiency 51 (IMD51). Also called: CANDIDIASIS, FAMILIAL, 5. Identifiers: Orphanet 1334, MedGen C4310803, MONDO:0013500, OMIM 613953.

gnomAD v4.1: 4 of 1,529,178 alleles (0.00026%); highest among the groups gnomAD compares: African/African-American, 0.0055%; no homozygotes.

Submission:

Labcorp Genetics (formerly Invitae), Labcorp
Classification: Uncertain significance for Immunodeficiency 51. Last evaluated: 2024-12-16. Review status: criteria provided, single submitter. Criteria: Invitae Variant Classification Sherloc (09022015). Collection method: clinical testing. Allele origin: germline.
Comment: This sequence change replaces glutamic acid, which is acidic and polar, with alanine, which is neutral and non-polar, at codon 651 of the IL17RA protein (p.Glu651Ala). This variant is not present in population databases (gnomAD no frequency). This variant has not been reported in the literature in individuals affected with IL17RA-related conditions. ClinVar contains an entry for this variant (Variation ID: 959649). Invitae Evidence Modeling of protein sequence and biophysical properties (such as structural, functional, and spatial information, amino acid conservation, physicochemical variation, residue mobility, and thermodynamic stability) indicates that this missense variant is not expected to disrupt IL17RA protein function with a negative predictive value of 80%. In summary, the available evidence is currently insufficient to determine the role of this variant in disease. Therefore, it has been classified as a Variant of Uncertain Significance.